The following is an entry in ClinVar:

NM_020937.4(FANCM):c.4780A>G (p.Ile1594Val)

Gene: FANCM (FA complementation group M; plus strand). Cytogenetic location: 14q21.2.
Variant type: single nucleotide variant.
Coding change: c.4780A>G on transcript NM_020937.4 (MANE Select); coding-DNA position 4780, A replaced by G.
Protein change: p.Ile1594Val; replaces isoleucine 1594 with valine.
Molecular consequence: missense variant.
Genome position (GRCh38, 1-based): chr14:45,188,802, A>G. VCF-style: chr14-45188802-A-G. GRCh37 (hg19) VCF-style: chr14-45658005-A-G.
Other names: c.4702A>G, p.Ile1568Val (NM_001308133.2); short protein forms I1594V, I1568V.
Identifiers: ClinVar variation 2752149 (VCV002752149.4), dbSNP rs1208212040, ClinGen allele CA389610589.

ClinVar aggregate classification (germline): Uncertain significance. Review status: criteria provided, multiple submitters, no conflicts (2 of 4 stars). 2 submissions from 2 submitters: Uncertain significance (2). Last evaluated 2025-04-06.

Conditions:
Inborn genetic diseases. Identifiers: MedGen C0950123, MeSH D030342.
Fanconi anemia (FA). Also called: Fanconi's anemia. Identifiers: Orphanet 84, MedGen C0015625, MeSH D005199, MONDO:0019391.

gnomAD v4.1: 1 of 1,605,386 alleles (0.000062%); no homozygotes.

Submissions (2):

Ambry Genetics
Classification: Uncertain significance for Inborn genetic diseases. Last evaluated: 2025-04-06. Review status: criteria provided, single submitter. Criteria: Ambry Variant Classification Scheme 2023. Collection method: clinical testing. Allele origin: germline.
Comment: The p.I1594V variant (also known as c.4780A>G) is located in coding exon 20 of the FANCM gene. The isoleucine at codon 1594 is replaced by valine, an amino acid with highly similar properties. This change occurs in the first base pair of coding exon 20. This amino acid position is conserved. In addition, this alteration is predicted to be tolerated by in silico analysis. Based on the available evidence, the clinical significance of this variant remains unclear.

Labcorp Genetics (formerly Invitae), Labcorp
Classification: Uncertain significance for Fanconi anemia. Last evaluated: 2023-01-07. Review status: criteria provided, single submitter. Criteria: Invitae Variant Classification Sherloc (09022015). Collection method: clinical testing. Allele origin: germline.
Comment: In summary, the available evidence is currently insufficient to determine the role of this variant in disease. Therefore, it has been classified as a Variant of Uncertain Significance. Algorithms developed to predict the effect of missense changes on protein structure and function are either unavailable or do not agree on the potential impact of this missense change (SIFT: "Tolerated"; PolyPhen-2: "Possibly Damaging"; Align-GVGD: "Class C0"). This variant has not been reported in the literature in individuals affected with FANCM-related conditions. This variant is present in population databases (no rsID available, gnomAD 0.003%). This sequence change replaces isoleucine, which is neutral and non-polar, with valine, which is neutral and non-polar, at codon 1594 of the FANCM protein (p.Ile1594Val).